The following is an entry in ClinVar:

ClinVar aggregate classification (germline): Uncertain significance. Review status: criteria provided, multiple submitters, no conflicts (2 of 4 stars). 3 submissions from 3 submitters: Uncertain significance (3). Last evaluated 2024-12-17.

Allele frequency attached by ClinVar (database versions not stated): gnomAD exomes 0.00002; ExAC 0.00003; gnomAD 0.00011 and 0.00012; ESP Exome Variant Server 0.00015; TOPMed 0.00017.
gnomAD v4.1: 30 of 1,606,266 alleles (0.0019%); highest among the groups gnomAD compares: African/African-American, 0.029%; no homozygotes.

Submissions (3):

Ambry Genetics
Classification: Uncertain significance. Last evaluated: 2024-12-17. Review status: criteria provided, single submitter. Criteria: Ambry Variant Classification Scheme 2023. Collection method: clinical testing. Allele origin: germline.

Labcorp Genetics (formerly Invitae), Labcorp
Classification: Uncertain significance. Last evaluated: 2024-02-24. Review status: criteria provided, single submitter. Criteria: Invitae Variant Classification Sherloc (09022015). Collection method: clinical testing. Allele origin: germline.
Comment: This sequence change replaces isoleucine, which is neutral and non-polar, with valine, which is neutral and non-polar, at codon 478 of the GUF1 protein (p.Ile478Val). This variant is present in population databases (rs142349872, gnomAD 0.03%). This variant has not been reported in the literature in individuals affected with GUF1-related conditions. ClinVar contains an entry for this variant (Variation ID: 928579). Advanced modeling of protein sequence and biophysical properties (such as structural, functional, and spatial information, amino acid conservation, physicochemical variation, residue mobility, and thermodynamic stability) performed at Invitae indicates that this missense variant is not expected to disrupt GUF1 protein function with a negative predictive value of 80%. In summary, the available evidence is currently insufficient to determine the role of this variant in disease. Therefore, it has been classified as a Variant of Uncertain Significance.

Women's Health and Genetics/Laboratory Corporation of America, LabCorp
Classification: Uncertain significance. Last evaluated: 2019-11-14. Review status: criteria provided, single submitter. Criteria: LabCorp Variant Classification Summary - May 2015. Collection method: clinical testing. Allele origin: germline.
Comment: Variant summary: GUF1 c.1432A>G (p.Ile478Val) results in a conservative amino acid change located in the Elongation factor EFG, domain V-like domain (IPR000640) of the encoded protein sequence. Four of five in-silico tools predict a benign effect of the variant on protein function. The variant allele was found at a frequency of 1.6e-05 in 249812 control chromosomes (gnomAD). The available data on variant occurrences in the general population are insufficient to allow any conclusion about variant significance. To our knowledge, no occurrence of c.1432A>G in individuals affected with Early Infantile Epileptic Encephalopathy (Autosomal Recessive) and no experimental evidence demonstrating its impact on protein function have been reported. No clinical diagnostic laboratories have submitted clinical-significance assessments for this variant to ClinVar after 2014. Based on the evidence outlined above, the variant was classified as uncertain significance.

NM_021927.3(GUF1):c.1432A>G (p.Ile478Val)

Gene: GUF1 (GTP binding elongation factor GUF1; plus strand). Cytogenetic location: 4p12.
Variant type: single nucleotide variant.
Coding change: c.1432A>G on transcript NM_021927.3 (MANE Select); coding-DNA position 1432, A replaced by G.
Protein change: p.Ile478Val; replaces isoleucine 478 with valine.
Molecular consequence: missense variant.
Genome position (GRCh38, 1-based): chr4:44,690,813, A>G. VCF-style: chr4-44690813-A-G. GRCh37 (hg19) VCF-style: chr4-44692830-A-G.
Other names: c.460A>G, p.Ile154Val (NM_001345867.2, NM_001345869.2); c.1432A>G, p.Ile478Val (NM_001345868.2); short protein forms I154V, I478V.
Identifiers: ClinVar variation 928579 (VCV000928579.7), dbSNP rs142349872, ClinGen allele CA2905640.
Genomic context (GRCh38, chr4:44,690,813, plus strand): 5'-GCACAATTCCCCGATAAATCAAAAGTAACAGAATATTTGGAGCCAGTTGTTTTGGGCACT[A>G]TTATCACACCAGATGAATACACTGGAAAAATAATGATGCTTTGCGAGGTATAACTATAAT-3'
Protein context (NP_068746.2, residues 468-488): EYLEPVVLGT[Ile478Val]ITPDEYTGKI